The following is an entry in ClinVar:

ClinVar aggregate classification (germline): Uncertain significance. Review status: criteria provided, multiple submitters, no conflicts (2 of 4 stars). 2 submissions from 2 submitters: Uncertain significance (2). Last evaluated 2022-07-12.

Conditions:
Primary ciliary dyskinesia. Also called: Ciliary dyskinesia. Identifiers: Orphanet 244, MedGen C0008780, MONDO:0016575, HP:0012265.
Primary ciliary dyskinesia 23 (CILD23). Also called: CILIARY DYSKINESIA, PRIMARY, 23, WITH OR WITHOUT SITUS INVERSUS. Identifiers: Orphanet 244, MedGen C3809548, MONDO:0014193, OMIM 615451.

Allele frequency attached by ClinVar (database versions not stated): ExAC 0.00002; gnomAD exomes 0.00002; TOPMed 0.00002.
gnomAD v4.1: 26 of 1,599,242 alleles (0.0016%); highest among the groups gnomAD compares: Non-Finnish European, 0.0022%; no homozygotes.

Submissions (2):

Ambry Genetics
Classification: Uncertain significance for Primary ciliary dyskinesia. Last evaluated: 2022-07-12. Review status: criteria provided, single submitter. Criteria: Ambry Variant Classification Scheme 2023. Collection method: clinical testing. Allele origin: germline.

Labcorp Genetics (formerly Invitae), Labcorp
Classification: Uncertain significance for Primary ciliary dyskinesia 23. Last evaluated: 2022-03-04. Review status: criteria provided, single submitter. Criteria: Invitae Variant Classification Sherloc (09022015). Collection method: clinical testing. Allele origin: germline.
Comment: This sequence change replaces glycine, which is neutral and non-polar, with arginine, which is basic and polar, at codon 873 of the ARMC4 protein (p.Gly873Arg). This variant is present in population databases (rs765428794, gnomAD 0.006%). This variant has not been reported in the literature in individuals affected with ARMC4-related conditions. ClinVar contains an entry for this variant (Variation ID: 1061284). Algorithms developed to predict the effect of missense changes on protein structure and function are either unavailable or do not agree on the potential impact of this missense change (SIFT: "Deleterious"; PolyPhen-2: "Possibly Damaging"; Align-GVGD: "Class C0"). In summary, the available evidence is currently insufficient to determine the role of this variant in disease. Therefore, it has been classified as a Variant of Uncertain Significance.

NM_018076.5(ODAD2):c.2617G>A (p.Gly873Arg)

Gene: ODAD2 (outer dynein arm docking complex subunit 2; minus strand). Cytogenetic location: 10p12.1.
Variant type: single nucleotide variant.
Coding change: c.2617G>A on transcript NM_018076.5 (MANE Select); coding-DNA position 2617, G replaced by A.
Protein change: p.Gly873Arg; replaces glycine 873 with arginine.
Molecular consequence: missense variant.
Genome position (GRCh38, 1-based): chr10:27,862,616, C>T on the plus strand (G>A on the coding strand, the complement: ODAD2 is on the minus strand). VCF-style: chr10-27862616-C-T. GRCh37 (hg19) VCF-style: chr10-28151545-C-T.
Other names: c.2617G>A (NM_018076.2); c.2617G>A, p.Gly873Arg (NM_001290020.2); c.1192G>A, p.Gly398Arg (NM_001290021.2); c.1693G>A, p.Gly565Arg (NM_001312689.2); short protein forms G398R, G565R, G873R.
Identifiers: ClinVar variation 1061284 (VCV001061284.7), dbSNP rs765428794, ClinGen allele CA5453139.